The following is an entry in ClinVar:

NM_032119.4(ADGRV1):c.14958C>A (p.Gly4986=)

Gene: ADGRV1 (adhesion G protein-coupled receptor V1; plus strand). Cytogenetic location: 5q14.3.
Variant type: single nucleotide variant.
Coding change: c.14958C>A on transcript NM_032119.4 (MANE Select); coding-DNA position 14958, C replaced by A.
Protein change: p.Gly4986=; no amino-acid change (glycine 4986 retained).
Molecular consequence: synonymous variant. On other transcripts: non-coding transcript variant (1).
Genome position (GRCh38, 1-based): chr5:90,807,723, C>A. VCF-style: chr5-90807723-C-A. GRCh37 (hg19) VCF-style: chr5-90103540-C-A.
Other names: c.14958C>A (NM_032119.3).
Identifiers: ClinVar variation 1097831 (VCV001097831.12), dbSNP rs371117165, ClinGen allele CA3341838.
Genomic context (GRCh38, chr5:90,807,723, plus strand): 5'-CCCTGGTTGGCCAGAGGCCTTTGTTCTTCACCTATCAGGAGTGCAGAGCAGTGCTCCTGG[C>A]GGAGCTCAACTCCGGTAAGACCAACCTCATTCTCACCCAAGAAATTCTCTGAGGAATAAT-3'
Protein context (NP_115495.3, residues 4976-4996): HLSGVQSSAP[Gly4986=]GAQLRSGFIV

ClinVar aggregate classification (germline): Likely benign. Review status: criteria provided, multiple submitters, no conflicts (2 of 4 stars). 3 submissions from 3 submitters: Likely benign (2). 1 of the submissions does not count toward it. Last evaluated 2024-10-25.

Conditions:
ADGRV1-related disorder. Also called: ADGRV1-related condition; ADGRV1-related disorders.

gnomAD v4.1: 22 of 1,556,350 alleles (0.0014%); highest among the groups gnomAD compares: Admixed American, 0.0072%; no homozygotes.

Submissions (3):

Labcorp Genetics (formerly Invitae), Labcorp
Classification: Likely benign. Last evaluated: 2024-10-25. Review status: criteria provided, single submitter. Criteria: Invitae Variant Classification Sherloc (09022015). Collection method: clinical testing. Allele origin: germline.

Blueprint Genetics
Classification: Likely benign. Last evaluated: 2019-12-05. Review status: criteria provided, single submitter. Criteria: ACMG Guidelines, 2015. Collection method: clinical testing. Allele origin: germline.

PreventionGenetics, part of Exact Sciences
Classification: Likely benign for ADGRV1-related condition. Last evaluated: 2019-08-01. Review status: no assertion criteria provided. Collection method: clinical testing. Allele origin: germline. Not counted in ClinVar's aggregate classification.
Comment: This variant is classified as likely benign based on ACMG/AMP sequence variant interpretation guidelines (Richards et al. 2015 PMID: 25741868, with internal and published modifications).